The following is an entry in ClinVar:

ClinVar aggregate classification (germline): Uncertain significance (1 of 4 stars; one submission).

Conditions:
Malignant hyperthermia, susceptibility to, 5 (MHS5). Also called: CACNA1S-Related Malignant Hyperthermia Susceptibility. Identifiers: Orphanet 423, MedGen C1866077, MONDO:0011163, OMIM 601887.
Hypokalemic periodic paralysis, type 1. Also called: HypoPP; Hypokalemic Periodic Paralysis Type 1 (AD). Identifiers: Orphanet 681, MedGen C3714580, MONDO:0042979, OMIM 170400.

Submission:

Labcorp Genetics (formerly Invitae), Labcorp
Classification: Uncertain significance for Hypokalemic periodic paralysis, type 1; Malignant hyperthermia, susceptibility to, 5. Last evaluated: 2023-07-21. Review status: criteria provided, single submitter. Criteria: Invitae Variant Classification Sherloc (09022015). Collection method: clinical testing. Allele origin: germline.
Comment: This sequence change falls in intron 23 of the CACNA1S gene. It does not directly change the encoded amino acid sequence of the CACNA1S protein. This variant is not present in population databases (gnomAD no frequency). This variant has not been reported in the literature in individuals affected with CACNA1S-related conditions. Algorithms developed to predict the effect of sequence changes on RNA splicing suggest that this variant may disrupt the consensus splice site. In summary, the available evidence is currently insufficient to determine the role of this variant in disease. Therefore, it has been classified as a Variant of Uncertain Significance.

NM_000069.3(CACNA1S):c.2907-7G>C

Gene: CACNA1S (calcium voltage-gated channel subunit alpha1 S; minus strand). Cytogenetic location: 1q32.1.
Variant type: single nucleotide variant.
Coding change: c.2907-7G>C on transcript NM_000069.3 (MANE Select); 7 bases into the intron before coding-DNA position 2907, G replaced by C.
Molecular consequence: intron variant.
Genome position (GRCh38, 1-based): chr1:201,062,097, C>G on the plus strand (G>C on the coding strand, the complement: CACNA1S is on the minus strand). VCF-style: chr1-201062097-C-G. GRCh37 (hg19) VCF-style: chr1-201031225-C-G.
Identifiers: ClinVar variation 2936207 (VCV002936207.3), dbSNP rs1480400776, ClinGen allele CA2740090476.